The following is an entry in ClinVar:

ClinVar aggregate classification (germline): Uncertain significance (1 of 4 stars; one submission).

Conditions:
Fanconi anemia (FA). Also called: Fanconi's anemia. Identifiers: Orphanet 84, MedGen C0015625, MeSH D005199, MONDO:0019391.

Submission:

Labcorp Genetics (formerly Invitae), Labcorp
Classification: Uncertain significance for Fanconi anemia. Last evaluated: 2022-12-16. Review status: criteria provided, single submitter. Criteria: Invitae Variant Classification Sherloc (09022015). Collection method: clinical testing. Allele origin: germline.
Comment: In summary, the available evidence is currently insufficient to determine the role of this variant in disease. Therefore, it has been classified as a Variant of Uncertain Significance. Algorithms developed to predict the effect of sequence changes on RNA splicing suggest that this variant may disrupt the consensus splice site. This variant has not been reported in the literature in individuals affected with FANCM-related conditions. This variant is not present in population databases (gnomAD no frequency). This sequence change falls in intron 16 of the FANCM gene. It does not directly change the encoded amino acid sequence of the FANCM protein.

NM_020937.4(FANCM):c.4386+14A>G

Gene: FANCM (FA complementation group M; plus strand). Cytogenetic location: 14q21.2.
Variant type: single nucleotide variant.
Coding change: c.4386+14A>G on transcript NM_020937.4 (MANE Select); 14 bases into the intron after coding-DNA position 4386, A replaced by G.
Molecular consequence: intron variant.
Genome position (GRCh38, 1-based): chr14:45,181,719, A>G. VCF-style: chr14-45181719-A-G. GRCh37 (hg19) VCF-style: chr14-45650922-A-G.
Other names: c.4308+14A>G (NM_001308133.2).
Identifiers: ClinVar variation 2821560 (VCV002821560.3), dbSNP rs2503215128, ClinGen allele CA2624699169.